The following is an entry in ClinVar:

NM_001004334.4(GPR179):c.5510G>A (p.Ser1837Asn)

Gene: GPR179 (G protein-coupled receptor 179; minus strand). Cytogenetic location: 17q12.
Variant type: single nucleotide variant.
Coding change: c.5510G>A on transcript NM_001004334.4 (MANE Select); coding-DNA position 5510, G replaced by A.
Protein change: p.Ser1837Asn; replaces serine 1837 with asparagine.
Molecular consequence: missense variant.
Genome position (GRCh38, 1-based): chr17:38,328,059, C>T on the plus strand (G>A on the coding strand, the complement: GPR179 is on the minus strand). VCF-style: chr17-38328059-C-T. GRCh37 (hg19) VCF-style: chr17-36483942-C-T.
Other names: short protein forms S1837N.
Identifiers: ClinVar variation 1507703 (VCV001507703.8), dbSNP rs774088557, ClinGen allele CA290103518.
Genomic context (GRCh38, chr17:38,328,059, plus strand): 5'-TCTCCCAGGGAAGTGAGTCTCCCCTTTTCTAGAGCTTTCTCCCTCTGCTCTGCTGATTCA[C>T]TCCCTGCCTTTTGGTCCAATCCCTTCCCAGTAGTTCCTTCACTTACCTCCCAGGGACAGA-3'
Protein context (NP_001004334.3, residues 1827-1847): TGKGLDQKAG[Ser1837Asn]ESAEQREKAL

ClinVar aggregate classification (germline): Uncertain significance. Review status: criteria provided, multiple submitters, no conflicts (2 of 4 stars). 2 submissions from 2 submitters: Uncertain significance (2). Last evaluated 2025-12-15.

Allele frequency attached by ClinVar (database versions not stated): ExAC 0.00001; gnomAD exomes 0.00001 and 0.00002; TOPMed 0.00002; gnomAD 0.00004.
gnomAD v4.1: 34 of 1,614,058 alleles (0.0021%); highest among the groups gnomAD compares: Non-Finnish European, 0.0028%; no homozygotes.

Submissions (2):

Labcorp Genetics (formerly Invitae), Labcorp
Classification: Uncertain significance. Last evaluated: 2025-12-15. Review status: criteria provided, single submitter. Criteria: Invitae Variant Classification Sherloc (09022015). Collection method: clinical testing. Allele origin: germline.
Comment: This sequence change replaces serine, which is neutral and polar, with asparagine, which is neutral and polar, at codon 1837 of the GPR179 protein (p.Ser1837Asn). This variant is present in population databases (rs774088557, gnomAD 0.002%). This variant has not been reported in the literature in individuals affected with GPR179-related conditions. ClinVar contains an entry for this variant (Variation ID: 1507703). An algorithm developed to predict the effect of missense changes on protein structure and function outputs the following: PolyPhen-2: "Benign". The asparagine amino acid residue is found in multiple mammalian species, which suggests that this missense change does not adversely affect protein function. In summary, the available evidence is currently insufficient to determine the role of this variant in disease. Therefore, it has been classified as a Variant of Uncertain Significance.

Blueprint Genetics
Classification: Uncertain significance. Last evaluated: 2024-10-11. Review status: criteria provided, single submitter. Criteria: ACMG Guidelines, 2015. Collection method: clinical testing. Allele origin: germline.